The following is an entry in ClinVar:

NM_018124.4(RFWD3):c.879G>C (p.Gln293His)

Gene: RFWD3 (ring finger and WD repeat domain 3; minus strand). Cytogenetic location: 16q23.1.
Variant type: single nucleotide variant.
Coding change: c.879G>C on transcript NM_018124.4 (MANE Select); coding-DNA position 879, G replaced by C.
Protein change: p.Gln293His; replaces glutamine 293 with histidine.
Molecular consequence: missense variant.
Genome position (GRCh38, 1-based): chr16:74,644,649, C>G on the plus strand (G>C on the coding strand, the complement: RFWD3 is on the minus strand). VCF-style: chr16-74644649-C-G. GRCh37 (hg19) VCF-style: chr16-74678547-C-G.
Other names: c.879G>C, p.Gln293His (NM_001370534.1, NM_001370535.1, NM_001370536.1); c.45G>C, p.Gln15His (NM_001370537.1, NM_001370539.1, NM_001370540.1 and 3 more transcripts); short protein forms Q15H, Q293H.
Identifiers: ClinVar variation 2187584 (VCV002187584.4), dbSNP rs753361381, ClinGen allele CA8169401.

ClinVar aggregate classification (germline): Uncertain significance (1 of 4 stars; one submission).

Allele frequency attached by ClinVar (database versions not stated): ExAC 0.00001; gnomAD exomes 0.00003; TOPMed 0.00003; gnomAD 0.00004.
gnomAD v4.1: 53 of 1,614,042 alleles (0.0033%); highest among the groups gnomAD compares: African/African-American, 0.0053%; no homozygotes.

Submission:

Labcorp Genetics (formerly Invitae), Labcorp
Classification: Uncertain significance. Last evaluated: 2025-03-14. Review status: criteria provided, single submitter. Criteria: Invitae Variant Classification Sherloc (09022015). Collection method: clinical testing. Allele origin: germline.
Comment: This sequence change replaces glutamine, which is neutral and polar, with histidine, which is basic and polar, at codon 293 of the RFWD3 protein (p.Gln293His). This variant is present in population databases (rs753361381, gnomAD 0.002%). This variant has not been reported in the literature in individuals affected with RFWD3-related conditions. ClinVar contains an entry for this variant (Variation ID: 2187584). An algorithm developed to predict the effect of missense changes on protein structure and function outputs the following: PolyPhen-2: "Benign". The histidine amino acid residue is found in multiple mammalian species, which suggests that this missense change does not adversely affect protein function. In summary, the available evidence is currently insufficient to determine the role of this variant in disease. Therefore, it has been classified as a Variant of Uncertain Significance.